The following is an entry in ClinVar:

ClinVar aggregate classification (germline): Uncertain significance. Review status: criteria provided, multiple submitters, no conflicts (2 of 4 stars). 2 submissions from 2 submitters: Uncertain significance (2). Last evaluated 2025-10-17.

Conditions:
Dilated cardiomyopathy 1G (CMD1G). Identifiers: Orphanet 154, MedGen C1858763, MONDO:0011400, OMIM 604145.
Autosomal recessive limb-girdle muscular dystrophy type 2J (LGMDR10). Also called: MUSCULAR DYSTROPHY, LIMB-GIRDLE, AUTOSOMAL RECESSIVE 10; Limb-girdle muscular dystrophy, type 2J. Identifiers: Orphanet 140922, MedGen C1837342, MONDO:0012127, OMIM 608807.

Submissions (2):

Labcorp Genetics (formerly Invitae), Labcorp
Classification: Uncertain significance for Dilated cardiomyopathy 1G; Autosomal recessive limb-girdle muscular dystrophy type 2J. Last evaluated: 2025-10-17. Review status: criteria provided, single submitter. Criteria: Invitae Variant Classification Sherloc (09022015). Collection method: clinical testing. Allele origin: germline.
Comment: This sequence change replaces aspartic acid, which is acidic and polar, with asparagine, which is neutral and polar, at codon 35951 of the TTN protein (p.Asp35951Asn). This variant is not present in population databases (gnomAD no frequency). This variant has not been reported in the literature in individuals affected with TTN-related conditions. ClinVar contains an entry for this variant (Variation ID: 2437894). Experimental studies and prediction algorithms are not available or were not evaluated, and the functional significance of this variant is currently unknown. In summary, the available evidence is currently insufficient to determine the role of this variant in disease. Therefore, it has been classified as a Variant of Uncertain Significance.

Revvity Omics, Revvity
Classification: Uncertain significance. Last evaluated: 2020-12-28. Review status: criteria provided, single submitter. Criteria: ACMG Guidelines, 2015. Collection method: clinical testing. Allele origin: germline.

NM_001267550.2(TTN):c.107851G>A (p.Asp35951Asn)

Genes: TTN-AS1 (TTN antisense RNA 1; plus strand), TTN (titin; minus strand). Cytogenetic location: 2q31.2.
Variant type: single nucleotide variant.
Coding change: c.107851G>A on transcript NM_001267550.2 (MANE Select); coding-DNA position 107851, G replaced by A.
Protein change: p.Asp35951Asn; replaces aspartic acid 35951 with asparagine.
Molecular consequence: missense variant.
Genome position (GRCh38, 1-based): chr2:178,527,137, C>T on the plus strand (G>A on the coding strand, the complement: TTN is on the minus strand). VCF-style: chr2-178527137-C-T. GRCh37 (hg19) VCF-style: chr2-179391864-C-T.
Other names: c.102928G>A, p.Asp34310Asn (NM_001256850.1); c.80656G>A, p.Asp26886Asn (NM_003319.4); c.100147G>A, p.Asp33383Asn (NM_133378.4); c.81031G>A, p.Asp27011Asn (NM_133432.3); c.81232G>A, p.Asp27078Asn (NM_133437.4); short protein forms D26886N, D27011N, D27078N, D33383N, D34310N, D35951N.
Identifiers: ClinVar variation 2437894 (VCV002437894.4), dbSNP rs2154129841, ClinGen allele CA349398680.